The following is an entry in ClinVar:

ClinVar aggregate classification (germline): Pathogenic (1 of 4 stars; one submission).

Submission:

Labcorp Genetics (formerly Invitae), Labcorp
Classification: Pathogenic. Last evaluated: 2023-10-09. Review status: criteria provided, single submitter. Criteria: Invitae Variant Classification Sherloc (09022015). Collection method: clinical testing. Allele origin: germline.
Comment: This sequence change creates a premature translational stop signal (p.Arg33Lysfs*12) in the CNGA1 gene. It is expected to result in an absent or disrupted protein product. Loss-of-function variants in CNGA1 are known to be pathogenic (PMID: 7479749, 25268133). This variant is not present in population databases (gnomAD no frequency). This variant has not been reported in the literature in individuals affected with CNGA1-related conditions. ClinVar contains an entry for this variant (Variation ID: 1373178). For these reasons, this variant has been classified as Pathogenic.

Literature cited by the submitters: PubMed 7479749; PubMed 25268133.

NM_001379270.1(CNGA1):c.85dup (p.Arg29fs)

Genes: CNGA1 (cyclic nucleotide gated channel subunit alpha 1; minus strand), LOC101927157 (uncharacterized LOC101927157; plus strand). Cytogenetic location: 4p12.
Variant type: Duplication.
Coding change: c.85dup on transcript NM_001379270.1 (MANE Select); coding-DNA position 85, one base duplicated (A; older notation c.85dupA).
Protein change: p.Arg29fs; shifts the reading frame from arginine 29.
Molecular consequence: frameshift variant.
Genome position (GRCh38, 1-based): chr4:47,952,605, T duplicated on the plus strand (A on the coding strand, the reverse complement: CNGA1 is on the minus strand); the first of 2 consecutive T bases (chr4:47,952,605-47,952,606); duplicating either gives the same sequence. VCF-style (leftmost placement, unchanged base first): chr4-47952604-C-CT. GRCh37 (hg19) VCF-style: chr4-47954621-C-CT.
Other names: c.85dup, p.Arg29fs (NM_000087.5, NM_001142564.2); short protein forms R29fs.
Identifiers: ClinVar variation 1373178 (VCV001373178.6), dbSNP rs1174222059, ClinGen allele CA795531426.